The following is an entry in ClinVar:

ClinVar aggregate classification (germline): Likely pathogenic (1 of 4 stars; one submission).

Conditions:
Bilateral microphthalmos. Identifiers: MedGen C1843496, HP:0007633.

Submission:

Genetics Department, University Hospital of Toulouse
Classification: Likely pathogenic for Bilateral microphthalmos. Last evaluated: 2022-12-06. Review status: criteria provided, single submitter. Criteria: ACMG Guidelines, 2015. Collection method: clinical testing. Allele origin: germline. Affected: yes. Observed: 4 variant alleles.
Comment: PM1, PM2, PP2, PP3

NM_006744.4(RBP4):c.358G>T (p.Asp120Tyr)

Gene: RBP4 (retinol binding protein 4; minus strand). Cytogenetic location: 10q23.33.
Variant type: single nucleotide variant.
Coding change: c.358G>T on transcript NM_006744.4 (MANE Select); coding-DNA position 358, G replaced by T.
Protein change: p.Asp120Tyr; replaces aspartic acid 120 with tyrosine.
Molecular consequence: missense variant.
Genome position (GRCh38, 1-based): chr10:93,594,033, C>A on the plus strand (G>T on the coding strand, the complement: RBP4 is on the minus strand). VCF-style: chr10-93594033-C-A. GRCh37 (hg19) VCF-style: chr10-95353790-C-A.
Other names: c.358G>T, p.Asp120Tyr (NM_001323517.1); c.352G>T, p.Asp118Tyr (NM_001323518.2); short protein forms D118Y, D120Y.
Identifiers: ClinVar variation 2430197 (VCV002430197.2), dbSNP rs2494059342, ClinGen allele CA377615954.